The following is an entry in ClinVar:

NM_006494.4(ERF):c.1443G>C (p.Lys481Asn)

Gene: ERF (ETS2 repressor factor; minus strand). Cytogenetic location: 19q13.2.
Variant type: single nucleotide variant.
Coding change: c.1443G>C on transcript NM_006494.4 (MANE Select); coding-DNA position 1443, G replaced by C.
Protein change: p.Lys481Asn; replaces lysine 481 with asparagine.
Molecular consequence: missense variant.
Genome position (GRCh38, 1-based): chr19:42,248,669, C>G on the plus strand (G>C on the coding strand, the complement: ERF is on the minus strand). VCF-style: chr19-42248669-C-G. GRCh37 (hg19) VCF-style: chr19-42752821-C-G.
Other names: c.1218G>C, p.Lys406Asn (NM_001301035.2, NM_001308402.2, NM_001312656.2); short protein forms K406N, K481N.
Identifiers: ClinVar variation 3252643 (VCV003252643.1), dbSNP rs1332211486.

ClinVar aggregate classification (germline): Uncertain significance (1 of 4 stars; one submission).

Submission:

GeneDx
Classification: Uncertain significance. Last evaluated: 2023-12-04. Review status: criteria provided, single submitter. Criteria: GeneDx Variant Classification Process June 2021. Collection method: clinical testing. Allele origin: germline. Affected: yes.
Comment: Not observed at significant frequency in large population cohorts (gnomAD); In silico analysis supports that this missense variant does not alter protein structure/function; Has not been previously published as pathogenic or benign to our knowledge